The following is an entry in ClinVar:

ClinVar aggregate classification (germline): Uncertain significance (1 of 4 stars; one submission).

Conditions:
Primary ciliary dyskinesia. Also called: Ciliary dyskinesia. Identifiers: Orphanet 244, MedGen C0008780, MONDO:0016575, HP:0012265.

Submission:

Ambry Genetics
Classification: Uncertain significance for Primary ciliary dyskinesia. Last evaluated: 2026-06-25. Review status: criteria provided, single submitter. Criteria: Ambry Variant Classification Scheme 2023. Collection method: clinical testing. Allele origin: germline.
Comment: The p.K452N variant (also known as c.1356G>C), located in coding exon 11 of the DNAH5 gene, results from a G to C substitution at nucleotide position 1356. The lysine at codon 452 is replaced by asparagine, an amino acid with similar properties. This amino acid position is conserved. In addition, this alteration is predicted to be tolerated by in silico analysis. Based on the available evidence, the clinical significance of this variant remains unclear.

NM_001369.3(DNAH5):c.1356G>C (p.Lys452Asn)

Gene: DNAH5 (dynein axonemal heavy chain 5; minus strand). Cytogenetic location: 5p15.2.
Variant type: single nucleotide variant.
Coding change: c.1356G>C on transcript NM_001369.3 (MANE Select); coding-DNA position 1356, G replaced by C.
Protein change: p.Lys452Asn; replaces lysine 452 with asparagine.
Molecular consequence: missense variant.
Genome position (GRCh38, 1-based): chr5:13,913,923, C>G on the plus strand (G>C on the coding strand, the complement: DNAH5 is on the minus strand). VCF-style: chr5-13913923-C-G. GRCh37 (hg19) VCF-style: chr5-13914032-C-G.
Other names: short protein forms K452N.
Identifiers: ClinVar variation 5035460 (VCV005035460.1).